The following is an entry in ClinVar:

NM_001377334.1(PIK3C2B):c.3105G>A (p.Ser1035=)

Gene: PIK3C2B (phosphatidylinositol-4-phosphate 3-kinase catalytic subunit type 2 beta; minus strand). Cytogenetic location: 1q32.1.
Variant type: single nucleotide variant.
Coding change: c.3105G>A on transcript NM_001377334.1 (MANE Select); coding-DNA position 3105, G replaced by A.
Protein change: p.Ser1035=; no amino-acid change (serine 1035 retained).
Molecular consequence: synonymous variant.
Genome position (GRCh38, 1-based): chr1:204,442,577, C>T on the plus strand (G>A on the coding strand, the complement: PIK3C2B is on the minus strand). VCF-style: chr1-204442577-C-T. GRCh37 (hg19) VCF-style: chr1-204411705-C-T.
Other names: c.3021G>A, p.Ser1007= (NM_001377335.1); c.3105G>A, p.Ser1035= (NM_002646.4).
Identifiers: ClinVar variation 3038706 (VCV003038706.2), dbSNP rs759431943, ClinGen allele CA1347504.

ClinVar aggregate classification (germline): Likely benign (0 of 4 stars; one submission).

Conditions:
PIK3C2B-related disorder. Also called: PIK3C2B-related condition.

Allele frequency attached by ClinVar (database versions not stated): gnomAD exomes 0.00004; gnomAD 0.00034; TOPMed 0.00084.
gnomAD v4.1: 118 of 1,554,502 alleles (0.0076%); highest among the groups gnomAD compares: Admixed American, 0.13%; 1 homozygote.

Submission:

PreventionGenetics, part of Exact Sciences
Classification: Likely benign for PIK3C2B-related condition. Last evaluated: 2019-05-21. Review status: no assertion criteria provided. Collection method: clinical testing. Allele origin: germline.
Comment: This variant is classified as likely benign based on ACMG/AMP sequence variant interpretation guidelines (Richards et al. 2015 PMID: 25741868, with internal and published modifications).